The following is an entry in ClinVar:

NM_007194.4(CHEK2):c.490A>T (p.Ser164Cys)

Gene: CHEK2 (checkpoint kinase 2; minus strand). Cytogenetic location: 22q12.1.
Variant type: single nucleotide variant.
Coding change: c.490A>T on transcript NM_007194.4 (MANE Select); coding-DNA position 490, A replaced by T.
Protein change: p.Ser164Cys; replaces serine 164 with cysteine.
Molecular consequence: missense variant. On other transcripts: 5 prime UTR variant (2), intron variant (1).
Genome position (GRCh38, 1-based): chr22:28,725,079, T>A on the plus strand (A>T on the coding strand, the complement: CHEK2 is on the minus strand). VCF-style: chr22-28725079-T-A. GRCh37 (hg19) VCF-style: chr22-29121067-T-A.
Other names: c.619A>T, p.Ser207Cys (NM_001005735.3, NM_001438294.1); c.-288A>T (NM_001257387.3); c.-174A>T (NM_001437942.1); c.583A>T, p.Ser195Cys (NM_001438293.1, NM_001438295.1); c.490A>T, p.Ser164Cys (NM_145862.3); c.445-156A>T (NM_001349956.3); short protein forms S164C, S207C, S195C.
Identifiers: ClinVar variation 1006124 (VCV001006124.9), dbSNP rs2053945090, ClinGen allele CA411107522.

ClinVar aggregate classification (germline): Uncertain significance (1 of 4 stars; one submission).

Conditions:
Familial cancer of breast. Also called: Hereditary breast cancer; hereditary breast carcinoma; BREAST CANCER, FAMILIAL. Identifiers: Orphanet 227535, MedGen C0346153, MONDO:0016419, OMIM 114480. Disease mechanism: loss of function.

Submission:

Labcorp Genetics (formerly Invitae), Labcorp
Classification: Uncertain significance for Familial cancer of breast. Last evaluated: 2020-04-27. Review status: criteria provided, single submitter. Criteria: Invitae Variant Classification Sherloc (09022015). Collection method: clinical testing. Allele origin: germline.
Comment: This sequence change replaces serine with cysteine at codon 164 of the CHEK2 protein (p.Ser164Cys). The serine residue is highly conserved and there is a moderate physicochemical difference between serine and cysteine. This variant is not present in population databases (ExAC no frequency). This variant has not been reported in the literature in individuals with CHEK2-related conditions. Algorithms developed to predict the effect of missense changes on protein structure and function (SIFT, PolyPhen-2, Align-GVGD) all suggest that this variant is likely to be disruptive, but these predictions have not been confirmed by published functional studies and their clinical significance is uncertain. In summary, the available evidence is currently insufficient to determine the role of this variant in disease. Therefore, it has been classified as a Variant of Uncertain Significance.